The following is an entry in ClinVar:

NC_000010.10:g.(?_75862397)_(75863602_?)del

Gene: VCL (vinculin; plus strand). Cytogenetic location: 10q22.2.
Variant type: Deletion.
Identifiers: ClinVar variation 3244891 (VCV003244891.1).

ClinVar aggregate classification (germline): Uncertain significance (1 of 4 stars; one submission).

Conditions:
Dilated cardiomyopathy 1W (CMD1W). Identifiers: Orphanet 154, MedGen C1969639, MONDO:0012667, OMIM 611407.

Submission:

Labcorp Genetics (formerly Invitae), Labcorp
Classification: Uncertain significance for Dilated cardiomyopathy 1W. Last evaluated: 2023-12-12. Review status: criteria provided, single submitter. Criteria: Invitae Variant Classification Sherloc (09022015). Collection method: clinical testing. Allele origin: unknown.
Comment: This variant results in the deletion of part of exon 15 (c.2023-1181_2047del) of the VCL gene. It is expected to disrupt RNA splicing. Variants that disrupt the donor or acceptor splice site typically lead to a loss of protein function (PMID: 16199547), however the current clinical and genetic evidence is not sufficient to establish whether loss-of-function variants in VCL cause disease. This variant has not been reported in the literature in individuals affected with VCL-related conditions. ClinVar contains an entry for this variant (Variation ID: 1784596). In summary, the available evidence is currently insufficient to determine the role of this variant in disease. Therefore, it has been classified as a Variant of Uncertain Significance.

Literature cited by the submitters: PubMed 16199547.